The following is an entry in ClinVar:

ClinVar aggregate classification (germline): Uncertain significance (1 of 4 stars; one submission).

Submission:

Labcorp Genetics (formerly Invitae), Labcorp
Classification: Uncertain significance. Last evaluated: 2023-04-24. Review status: criteria provided, single submitter. Criteria: Invitae Variant Classification Sherloc (09022015). Collection method: clinical testing. Allele origin: germline.
Comment: This variant is not present in population databases (gnomAD no frequency). This sequence change replaces glutamic acid, which is acidic and polar, with glutamine, which is neutral and polar, at codon 336 of the NDUFA9 protein (p.Glu336Gln). This variant has not been reported in the literature in individuals affected with NDUFA9-related conditions. In summary, the available evidence is currently insufficient to determine the role of this variant in disease. Therefore, it has been classified as a Variant of Uncertain Significance. An algorithm developed to predict the effect of missense changes on protein structure and function (PolyPhen-2) suggests that this variant is likely to be tolerated. ClinVar contains an entry for this variant (Variation ID: 1381700).

NM_005002.5(NDUFA9):c.1006G>C (p.Glu336Gln)

Gene: NDUFA9 (NADH:ubiquinone oxidoreductase subunit A9; plus strand). Cytogenetic location: 12p13.32.
Variant type: single nucleotide variant.
Coding change: c.1006G>C on transcript NM_005002.5 (MANE Select); coding-DNA position 1006, G replaced by C.
Protein change: p.Glu336Gln; replaces glutamic acid 336 with glutamine.
Molecular consequence: missense variant.
Genome position (GRCh38, 1-based): chr12:4,686,980, G>C. VCF-style: chr12-4686980-G-C. GRCh37 (hg19) VCF-style: chr12-4796146-G-C.
Other names: short protein forms E336Q.
Identifiers: ClinVar variation 1381700 (VCV001381700.6), dbSNP rs2137490326, ClinGen allele CA383427793.